The following is an entry in ClinVar:

ClinVar aggregate classification (germline): Uncertain significance (1 of 4 stars; one submission).

Conditions:
Familial cold autoinflammatory syndrome 2 (FCAS2). Identifiers: Orphanet 247868, MedGen C2673198, MONDO:0012724, OMIM 611762.

gnomAD v4.1: 1 of 1,613,836 alleles (0.000062%); highest among the groups gnomAD compares: Admixed American, 0.0017%; no homozygotes.

Submission:

Labcorp Genetics (formerly Invitae), Labcorp
Classification: Uncertain significance for Familial cold autoinflammatory syndrome 2. Last evaluated: 2025-04-28. Review status: criteria provided, single submitter. Criteria: Invitae Variant Classification Sherloc (09022015). Collection method: clinical testing. Allele origin: germline.
Comment: This sequence change replaces glutamic acid, which is acidic and polar, with valine, which is neutral and non-polar, at codon 335 of the NLRP12 protein (p.Glu335Val). This variant is present in population databases (rs750525674, gnomAD 0.003%). This variant has not been reported in the literature in individuals affected with NLRP12-related conditions. Invitae Evidence Modeling of protein sequence and biophysical properties (such as structural, functional, and spatial information, amino acid conservation, physicochemical variation, residue mobility, and thermodynamic stability) indicates that this missense variant is expected to disrupt NLRP12 protein function with a positive predictive value of 80%. In summary, the available evidence is currently insufficient to determine the role of this variant in disease. Therefore, it has been classified as a Variant of Uncertain Significance.

NM_144687.4(NLRP12):c.1004A>T (p.Glu335Val)

Gene: NLRP12 (NLR family pyrin domain containing 12; minus strand). Cytogenetic location: 19q13.42.
Variant type: single nucleotide variant.
Coding change: c.1004A>T on transcript NM_144687.4 (MANE Select); coding-DNA position 1004, A replaced by T.
Protein change: p.Glu335Val; replaces glutamic acid 335 with valine.
Molecular consequence: missense variant.
Genome position (GRCh38, 1-based): chr19:53,810,655, T>A on the plus strand (A>T on the coding strand, the complement: NLRP12 is on the minus strand). VCF-style: chr19-53810655-T-A. GRCh37 (hg19) VCF-style: chr19-54313909-T-A.
Other names: c.1004A>T, p.Glu335Val (NM_001277126.2, NM_001277129.1); short protein forms E335V.
Identifiers: ClinVar variation 4743463 (VCV004743463.1).
Genomic context (GRCh38, chr19:53,810,655, plus strand): 5'-TCCAGCAGACGGTGGAGCTTCTCCAAAGCCGTGGGCCGTGTGGTGATGAGCAAAGATAGC[T>A]CAGGGAGCAGCTTCTTCCGAATTAAGCTGTTAAGAAGCAGCTCCGTGGGCCGTTTCTCCT-3'
Protein context (NP_653288.1, residues 325-345): NSLIRKKLLP[Glu335Val]LSLLITTRPT